The following is an entry in ClinVar:

NM_001042492.3(NF1):c.5991G>A (p.Trp1997Ter)

Gene: NF1 (neurofibromin 1; plus strand). Cytogenetic location: 17q11.2.
Variant type: single nucleotide variant.
Coding change: c.5991G>A on transcript NM_001042492.3 (MANE Select); coding-DNA position 5991, G replaced by A.
Protein change: p.Trp1997Ter; replaces tryptophan 1997 with a stop codon.
Molecular consequence: nonsense.
Genome position (GRCh38, 1-based): chr17:31,335,016, G>A. VCF-style: chr17-31335016-G-A. GRCh37 (hg19) VCF-style: chr17-29662034-G-A.
Other names: c.5928G>A, p.Trp1976Ter (NM_000267.4); short protein forms W1976*, W1997*.
Identifiers: ClinVar variation 233869 (VCV000233869.17), dbSNP rs876660696, ClinGen allele CA10580365.
Genomic context (GRCh38, chr17:31,335,016, plus strand): 5'-GCTGATAACAATGACCATCAATGAAAAACAGATGTACCCATCTATTCAAGCAAAAATATG[G>A]GGAAGCCTTGGGCAGGTATTGAGTTTGCTCAAATATTTATCTAGTATCTCCTTTGTGCAC-3'

ClinVar aggregate classification (germline): Pathogenic/Likely pathogenic. Review status: criteria provided, multiple submitters, no conflicts (2 of 4 stars). 7 submissions from 7 submitters: Pathogenic (5); Likely pathogenic (1). 1 of the submissions does not count toward it. Last evaluated 2025-06-09.

Conditions:
Hereditary cancer-predisposing syndrome. Also called: Tumor predisposition; Hereditary Cancer Syndrome; Hereditary neoplastic syndrome; Neoplastic Syndromes, Hereditary. Identifiers: Orphanet 140162, MedGen C0027672, MeSH D009386, MONDO:0015356.
Neurofibromatosis, familial spinal (FSNF). Identifiers: Orphanet 636, MedGen C1834235, MONDO:0008078, OMIM 162210. Disease mechanism: loss of function.
Juvenile myelomonocytic leukemia (JMML). Also called: LEUKEMIA, JUVENILE MYELOMONOCYTIC, SOMATIC. Identifiers: Orphanet 86834, MedGen C0349639, MONDO:0011908, OMIM 607785, HP:0012209.
Neurofibromatosis, type 1 (NF1). Also called: VON RECKLINGHAUSEN DISEASE; NEUROFIBROMATOSIS, TYPE I, SOMATIC; Peripheral type neurofibromatosis; Neurofibromatosis, type I. Identifiers: Orphanet 636, MedGen C0027831, MONDO:0018975, OMIM 162200. Disease mechanism: loss of function.
Neurofibromatosis-Noonan syndrome (NFNS). Also called: NEUROFIBROMATOSIS WITH NOONAN PHENOTYPE. Identifiers: Orphanet 638, MedGen C2931482, MONDO:0011035, OMIM 601321. Disease mechanism: loss of function.
Café-au-lait macules with pulmonary stenosis (WTSN). Also called: PULMONIC STENOSIS WITH CAFE-AU-LAIT SPOTS. Identifiers: MedGen C0553586, MONDO:0008672, OMIM 193520.

Submissions (7):

GeneDx
Classification: Pathogenic. Last evaluated: 2025-06-09. Review status: criteria provided, single submitter. Criteria: GeneDx Variant Classification Process June 2021. Collection method: clinical testing. Allele origin: germline. Affected: yes.
Comment: Nonsense variant predicted to result in protein truncation or nonsense mediated decay in a gene for which loss-of-function is a known mechanism of disease; Not observed at significant frequency in large population cohorts (gnomAD); This variant is associated with the following publications: (PMID: 22108604, 32486389, 22155606, 31370276, 31730495, 34308104, 38596211, 30014477)

Labcorp Genetics (formerly Invitae), Labcorp
Classification: Pathogenic for Neurofibromatosis, type 1. Last evaluated: 2025-01-19. Review status: criteria provided, single submitter. Criteria: Invitae Variant Classification Sherloc (09022015). Collection method: clinical testing. Allele origin: germline.
Comment: This sequence change creates a premature translational stop signal (p.Trp1976*) in the NF1 gene. It is expected to result in an absent or disrupted protein product. Loss-of-function variants in NF1 are known to be pathogenic (PMID: 10712197, 23913538). This variant is not present in population databases (gnomAD no frequency). This premature translational stop signal has been observed in individual(s) with clinical features of neurofibromatosis, type 1 (PMID: 30014477, 31370276). In at least one individual the variant was observed to be de novo. ClinVar contains an entry for this variant (Variation ID: 233869). For these reasons, this variant has been classified as Pathogenic.

Genome-Nilou Lab
Classification: Pathogenic for Neurofibromatosis, type 1. Last evaluated: 2022-03-15. Review status: criteria provided, single submitter. Criteria: ACMG Guidelines, 2015. Collection method: clinical testing. Allele origin: germline. Affected: no.

Fulgent Genetics
Classification: Pathogenic for Neurofibromatosis, type 1; Neurofibromatosis, familial spinal; Café-au-lait macules with pulmonary stenosis; Neurofibromatosis-Noonan syndrome; Juvenile myelomonocytic leukemia. Last evaluated: 2022-03-04. Review status: criteria provided, single submitter. Criteria: ACMG Guidelines, 2015. Collection method: clinical testing. Allele origin: unknown.

Center for Human Genetics, Inc
Classification: Likely pathogenic for Neurofibromatosis, type 1. Last evaluated: 2016-11-01. Review status: criteria provided, single submitter. Criteria: ACMG Guidelines, 2015. Collection method: clinical testing. Allele origin: germline. Affected: yes.

Ambry Genetics
Classification: Pathogenic for Hereditary cancer-predisposing syndrome. Last evaluated: 2015-09-16. Review status: criteria provided, single submitter. Criteria: Ambry Autosomal Dominant and X-Linked criteria (10/2015). Collection method: clinical testing. Allele origin: germline. Observed: 1 variant allele.
Comment: The p.W1997* pathogenic mutation (also known as c.5991G>A), located in coding exon 40 of the NF1 gene, results from a G to A substitution at nucleotide position 5991. This changes the amino acid from a tryptophan to a stop codon within coding exon 40. This variant has been seen as somatic mutation in a tumor from one patient with neurofibromatosis with a germline NF1 microdeletion and one patient with a reportedly sporadic pheochromocytoma (Laycock-van Spyk S et al. Hum. Genomics 2011 Oct; 5(6):623-90; Thomas L et al. Eur. J. Hum. Genet. 2012 Apr; 20(4):411-9; Welander J et al.J. Clin. Endocrinol. Metab. 2014 Jul; 99(7):E1352-60; Stenman A et al. Endocr. Pathol. 2015 Mar; 26(1):9-14). In addition to the data presented in the literature, since premature stop codons are typically deleterious in nature, this alteration is interpreted as a disease-causing mutation (ACMG Recommendations for Standards for Interpretation and Reporting of Sequence Variations. Revision 2007. Genet Med. 2008;10:294).

Division of Human Genetics, National Health Laboratory Service/University of the Witwatersrand
Classification: Pathogenic for Neurofibromatosis, type 1. Review status: no assertion criteria provided. Collection method: research. Allele origin: unknown. Affected: yes. Observed: 1 variant allele. Not counted in ClinVar's aggregate classification.

Literature cited by the submitters: PubMed 10712197 (cited by Labcorp Genetics (formerly Invitae), Labcorp); PubMed 23913538 (cited by Labcorp Genetics (formerly Invitae), Labcorp); PubMed 30014477 (cited by Labcorp Genetics (formerly Invitae), Labcorp); PubMed 31370276 (cited by Labcorp Genetics (formerly Invitae), Labcorp); PubMed 22108604 (cited by Ambry Genetics); PubMed 22155606 (cited by Ambry Genetics); PubMed 24694336 (cited by Ambry Genetics); PubMed 25403449 (cited by Ambry Genetics).